The following is an entry in ClinVar:

NM_000726.5(CACNB4):c.1413G>A (p.Arg471=)

Gene: CACNB4 (calcium voltage-gated channel auxiliary subunit beta 4; minus strand). Cytogenetic location: 2q23.3.
Variant type: single nucleotide variant.
Coding change: c.1413G>A on transcript NM_000726.5 (MANE Select); coding-DNA position 1413, G replaced by A.
Protein change: p.Arg471=; no amino-acid change (arginine 471 retained).
Molecular consequence: synonymous variant.
Genome position (GRCh38, 1-based): chr2:151,839,269, C>T on the plus strand (G>A on the coding strand, the complement: CACNB4 is on the minus strand). VCF-style: chr2-151839269-C-T. GRCh37 (hg19) VCF-style: chr2-152695783-C-T.
Other names: p.R471R:AGG>AGA; c.1227G>A, p.Arg409= (NM_001145798.3); c.1272G>A, p.Arg424= (NM_001320722.3, NM_001330118.2); c.1170G>A, p.Arg390= (NM_001330113.2); c.759G>A, p.Arg253= (NM_001330114.2); c.1122G>A, p.Arg374= (NM_001330115.2); c.1083G>A, p.Arg361= (NM_001330116.2); c.855G>A, p.Arg285= (NM_001330117.2); and 2 more.
Identifiers: ClinVar variation 136655 (VCV000136655.53), dbSNP rs1805029, ClinGen allele CA232443.

ClinVar aggregate classification (germline): Benign/Likely benign. Review status: criteria provided, multiple submitters, no conflicts (2 of 4 stars). 11 submissions from 11 submitters: Benign (6); Likely benign (2). 3 of the submissions do not count toward it. Last evaluated 2025-11-17.

Conditions:
CACNB4-related disorder. Also called: CACNB4-related condition; CACNB4-Related Disorders.
Episodic ataxia type 5. Identifiers: Orphanet 211067, MedGen C1866039, MONDO:0013464, OMIM 613855.
Idiopathic generalized epilepsy. Also called: Generalised epilepsy; EIG. Identifiers: MedGen C0270850, MONDO:0005579, OMIM 600669.

Allele frequency attached by ClinVar (database versions not stated): 1000 Genomes Project 0.00060; 1000 Genomes Project 30x 0.00109; gnomAD 0.00148 and 0.00151; ESP Exome Variant Server 0.00154; TOPMed 0.00182; ExAC 0.00185; gnomAD exomes 0.00189 and 0.00190.
gnomAD v4.1: 3,008 of 1,613,618 alleles (0.19%); highest among the groups gnomAD compares: Middle Eastern, 0.26%; 4 homozygotes.

Submissions (11):

Labcorp Genetics (formerly Invitae), Labcorp
Classification: Benign for Idiopathic generalized epilepsy. Last evaluated: 2025-11-17. Review status: criteria provided, single submitter. Criteria: Invitae Variant Classification Sherloc (09022015). Collection method: clinical testing. Allele origin: germline.

CeGaT Center for Human Genetics Tuebingen
Classification: Benign. Last evaluated: 2025-04-01. Review status: criteria provided, single submitter. Criteria: CeGaT Center For Human Genetics Tuebingen Variant Classification Criteria Version 2. Collection method: clinical testing. Allele origin: germline. Affected: yes. Observed: 10 variant alleles.
Comment: CACNB4: BP4, BS1, BS2

Blueprint Genetics
Classification: Likely benign. Last evaluated: 2024-11-26. Review status: criteria provided, single submitter. Criteria: ACMG Guidelines, 2015. Collection method: clinical testing. Allele origin: germline.

Athena Diagnostics
Classification: Benign. Last evaluated: 2024-07-05. Review status: criteria provided, single submitter. Criteria: Athena Diagnostics Criteria. Collection method: clinical testing. Allele origin: unknown.

Illumina Laboratory Services, Illumina
Classification: Benign for Episodic ataxia type 5. Last evaluated: 2018-01-13. Review status: criteria provided, single submitter. Criteria: ICSL Variant Classification Criteria 13 December 2019. Collection method: clinical testing. Allele origin: germline.
Comment: This variant was observed in the ICSL laboratory as part of a predisposition screen in an ostensibly healthy population. It had not been previously curated by ICSL or reported in the Human Gene Mutation Database (HGMD: prior to June 1st, 2018), and was therefore a candidate for classification through an automated scoring system. Utilizing variant allele frequency, disease prevalence and penetrance estimates, and inheritance mode, an automated score was calculated to assess if this variant is too frequent to cause the disease. Based on the score and internal cut-off values, a variant classified as benign is not then subjected to further curation. The score for this variant resulted in a classification of benign for this disease.

Eurofins Ntd Llc (ga)
Classification: Benign. Last evaluated: 2017-04-27. Review status: criteria provided, single submitter. Criteria: EGL Classification Definitions 2015. Collection method: clinical testing. Allele origin: germline. Observed: 4 variant alleles, 4 heterozygotes.

GeneDx
Classification: Benign. Last evaluated: 2013-05-09. Review status: criteria provided, single submitter. Criteria: GeneDx Variant Classification (06012015). Collection method: clinical testing. Allele origin: germline. Affected: yes.
Comment: This variant is considered likely benign or benign based on one or more of the following criteria: it is a conservative change, it occurs at a poorly conserved position in the protein, it is predicted to be benign by multiple in silico algorithms, and/or has population frequency not consistent with disease.

Breakthrough Genomics
Classification: Likely benign. Review status: criteria provided, single submitter. Criteria: ACMG Guidelines, 2015. Collection method: not provided. Allele origin: germline. Inheritance: Autosomal dominant inheritance. Affected: yes.

PreventionGenetics, part of Exact Sciences
Classification: Likely benign for CACNB4-related condition. Last evaluated: 2019-03-28. Review status: no assertion criteria provided. Collection method: clinical testing. Allele origin: germline. Not counted in ClinVar's aggregate classification.
Comment: This variant is classified as likely benign based on ACMG/AMP sequence variant interpretation guidelines (Richards et al. 2015 PMID: 25741868, with internal and published modifications).

Clinical Genetics DNA and cytogenetics Diagnostics Lab, Erasmus MC, Erasmus Medical Center
Classification: Likely benign. Review status: no assertion criteria provided. Collection method: clinical testing. Allele origin: germline. Affected: yes. Study: VKGL Data-share Consensus. Not counted in ClinVar's aggregate classification.

Genome Diagnostics Laboratory, University Medical Center Utrecht
Classification: Likely benign. Review status: no assertion criteria provided. Collection method: clinical testing. Allele origin: germline. Affected: yes. Study: VKGL Data-share Consensus. Not counted in ClinVar's aggregate classification.

Literature cited by the submitters: PubMed 27843123 (cited by Athena Diagnostics); PubMed 10762541 (cited by Athena Diagnostics).